The following is an entry in ClinVar:

ClinVar aggregate classification (germline): Uncertain significance. Review status: criteria provided, multiple submitters, no conflicts (2 of 4 stars). 2 submissions from 2 submitters: Uncertain significance (2). Last evaluated 2025-10-24.

Conditions:
Inborn genetic diseases. Identifiers: MedGen C0950123, MeSH D030342.

Allele frequency attached by ClinVar (database versions not stated): TOPMed below 0.00001.

Submissions (2):

Ambry Genetics
Classification: Uncertain significance for Inborn genetic diseases. Last evaluated: 2025-10-24. Review status: criteria provided, single submitter. Criteria: Ambry Variant Classification Scheme 2023. Collection method: clinical testing. Allele origin: germline.

Labcorp Genetics (formerly Invitae), Labcorp
Classification: Uncertain significance. Last evaluated: 2024-11-11. Review status: criteria provided, single submitter. Criteria: Invitae Variant Classification Sherloc (09022015). Collection method: clinical testing. Allele origin: germline.
Comment: This sequence change replaces alanine, which is neutral and non-polar, with valine, which is neutral and non-polar, at codon 36 of the SAR1B protein (p.Ala36Val). This variant is not present in population databases (gnomAD no frequency). This variant has not been reported in the literature in individuals affected with SAR1B-related conditions. ClinVar contains an entry for this variant (Variation ID: 1437554). An algorithm developed to predict the effect of missense changes on protein structure and function (PolyPhen-2) suggests that this variant is likely to be disruptive. In summary, the available evidence is currently insufficient to determine the role of this variant in disease. Therefore, it has been classified as a Variant of Uncertain Significance.

NM_016103.4(SAR1B):c.107C>T (p.Ala36Val)

Gene: SAR1B (secretion associated Ras related GTPase 1B; minus strand). Cytogenetic location: 5q31.1.
Variant type: single nucleotide variant.
Coding change: c.107C>T on transcript NM_016103.4 (MANE Select); coding-DNA position 107, C replaced by T.
Protein change: p.Ala36Val; replaces alanine 36 with valine.
Molecular consequence: missense variant.
Genome position (GRCh38, 1-based): chr5:134,621,004, G>A on the plus strand (C>T on the coding strand, the complement: SAR1B is on the minus strand). VCF-style: chr5-134621004-G-A. GRCh37 (hg19) VCF-style: chr5-133956694-G-A.
Other names: c.107C>T (NM_001033503.2); c.107C>T, p.Ala36Val (NM_001033503.3); short protein forms A36V.
Identifiers: ClinVar variation 1437554 (VCV001437554.9), dbSNP rs11558539, ClinGen allele CA127971419.
Genomic context (GRCh38, chr5:134,621,004, plus strand): 5'-GTTGGGACATGTTGTCCAAGTCTGTCATCTTTTAGCATGTGTAGCAATGTTGTTTTTCCT[G>A]CATTATCCAATCCAAGAAATACCAGTTTACCAGTTTTCTTATATAATCCTGCAAAGCAAG-3'
Protein context (NP_057187.1, residues 26-46): GKLVFLGLDN[Ala36Val]GKTTLLHMLK